The following is an entry in ClinVar:

ClinVar aggregate classification (germline): Uncertain significance. Review status: criteria provided, multiple submitters, no conflicts (2 of 4 stars). 2 submissions from 2 submitters: Uncertain significance (2). Last evaluated 2025-08-25.

Conditions:
Inborn genetic diseases. Identifiers: MedGen C0950123, MeSH D030342.

Allele frequency attached by ClinVar (database versions not stated): gnomAD exomes 0.00001 and 0.00009; gnomAD 0.00004; TOPMed 0.00006.
gnomAD v4.1: 131 of 1,614,004 alleles (0.0081%); highest among the groups gnomAD compares: Non-Finnish European, 0.011%; 1 homozygote.

Submissions (2):

Ambry Genetics
Classification: Uncertain significance for Inborn genetic diseases. Last evaluated: 2025-08-25. Review status: criteria provided, single submitter. Criteria: Ambry Variant Classification Scheme 2023. Collection method: clinical testing. Allele origin: germline.

Labcorp Genetics (formerly Invitae), Labcorp
Classification: Uncertain significance. Last evaluated: 2022-07-19. Review status: criteria provided, single submitter. Criteria: Invitae Variant Classification Sherloc (09022015). Collection method: clinical testing. Allele origin: germline.
Comment: This variant is present in population databases (no rsID available, gnomAD 0.003%). This variant has not been reported in the literature in individuals affected with CEP135-related conditions. This sequence change replaces leucine, which is neutral and non-polar, with phenylalanine, which is neutral and non-polar, at codon 694 of the CEP135 protein (p.Leu694Phe). In summary, the available evidence is currently insufficient to determine the role of this variant in disease. Therefore, it has been classified as a Variant of Uncertain Significance. Algorithms developed to predict the effect of sequence changes on RNA splicing suggest that this variant may create or strengthen a splice site. Algorithms developed to predict the effect of missense changes on protein structure and function are either unavailable or do not agree on the potential impact of this missense change (SIFT: "Tolerated"; PolyPhen-2: "Possibly Damaging"; Align-GVGD: "Class C0"). ClinVar contains an entry for this variant (Variation ID: 1382568).

NM_025009.5(CEP135):c.2080C>T (p.Leu694Phe)

Gene: CEP135 (centrosomal protein 135; plus strand). Cytogenetic location: 4q12.
Variant type: single nucleotide variant.
Coding change: c.2080C>T on transcript NM_025009.5 (MANE Select); coding-DNA position 2080, C replaced by T.
Protein change: p.Leu694Phe; replaces leucine 694 with phenylalanine.
Molecular consequence: missense variant.
Genome position (GRCh38, 1-based): chr4:55,999,372, C>T. VCF-style: chr4-55999372-C-T. GRCh37 (hg19) VCF-style: chr4-56865538-C-T.
Other names: c.2080C>T (NM_025009.3); short protein forms L694F.
Identifiers: ClinVar variation 1382568 (VCV001382568.7), dbSNP rs976129149, ClinGen allele CA97574351.